The following is an entry in ClinVar:

NM_001270508.2(TNFAIP3):c.1199C>T (p.Thr400Ile)

Gene: TNFAIP3 (TNF alpha induced protein 3; plus strand). Cytogenetic location: 6q23.3.
Variant type: single nucleotide variant.
Coding change: c.1199C>T on transcript NM_001270508.2 (MANE Select); coding-DNA position 1199, C replaced by T.
Protein change: p.Thr400Ile; replaces threonine 400 with isoleucine.
Molecular consequence: missense variant.
Genome position (GRCh38, 1-based): chr6:137,878,644, C>T. VCF-style: chr6-137878644-C-T. GRCh37 (hg19) VCF-style: chr6-138199781-C-T.
Other names: c.1199C>T, p.Thr400Ile (NM_001270507.2, NM_006290.4); c.1199C>T (NM_006290.3); short protein forms T400I.
Identifiers: ClinVar variation 1717314 (VCV001717314.6), dbSNP rs1776330212, ClinGen allele CA365788976.

ClinVar aggregate classification (germline): Uncertain significance. Review status: criteria provided, multiple submitters, no conflicts (2 of 4 stars). 2 submissions from 2 submitters: Uncertain significance (2). Last evaluated 2024-12-18.

Allele frequency attached by ClinVar (database versions not stated): gnomAD exomes below 0.00001.
gnomAD v4.1: 2 of 1,614,230 alleles (0.00012%); highest among the groups gnomAD compares: Non-Finnish European, 0.00017%; no homozygotes.

Submissions (2):

GeneDx
Classification: Uncertain significance. Last evaluated: 2024-12-18. Review status: criteria provided, single submitter. Criteria: GeneDx Variant Classification Process June 2021. Collection method: clinical testing. Allele origin: germline. Affected: yes.
Comment: Not observed at significant frequency in large population cohorts (gnomAD); In silico analysis indicates that this missense variant does not alter protein structure/function; Has not been previously published as pathogenic or benign to our knowledge

Labcorp Genetics (formerly Invitae), Labcorp
Classification: Uncertain significance. Last evaluated: 2022-10-25. Review status: criteria provided, single submitter. Criteria: Invitae Variant Classification Sherloc (09022015). Collection method: clinical testing. Allele origin: germline.
Comment: This variant has not been reported in the literature in individuals affected with TNFAIP3-related conditions. This sequence change replaces threonine, which is neutral and polar, with isoleucine, which is neutral and non-polar, at codon 400 of the TNFAIP3 protein (p.Thr400Ile). This variant is not present in population databases (gnomAD no frequency). Algorithms developed to predict the effect of missense changes on protein structure and function are either unavailable or do not agree on the potential impact of this missense change (SIFT: "Tolerated"; PolyPhen-2: "Probably Damaging"; Align-GVGD: "Class C25"). In summary, the available evidence is currently insufficient to determine the role of this variant in disease. Therefore, it has been classified as a Variant of Uncertain Significance.